The following is an entry in ClinVar:

ClinVar aggregate classification (germline): Pathogenic (1 of 4 stars; one submission).

Submission:

Labcorp Genetics (formerly Invitae), Labcorp
Classification: Pathogenic. Last evaluated: 2021-01-06. Review status: criteria provided, single submitter. Criteria: Invitae Variant Classification Sherloc (09022015). Collection method: clinical testing. Allele origin: germline.
Comment: This variant disrupts the C-terminus of the FH protein. Other variant(s) that disrupt this region (p.Trp500*) have been determined to be pathogenic (PMID: 9635293, 21398687). This suggests that variants that disrupt this region of the protein are likely to be causative of disease. This sequence change creates a premature translational stop signal (p.Glu499Aspfs*3) in the FH gene. While this is not anticipated to result in nonsense mediated decay, it is expected to disrupt the last 12 amino acid(s) of the FH protein. This variant is not present in population databases (ExAC no frequency). This variant has not been reported in the literature in individuals with FH-related conditions. For these reasons, this variant has been classified as Pathogenic.

Literature cited by the submitters: PubMed 9635293; PubMed 21398687.

NM_000143.4(FH):c.1497del (p.Glu499fs)

Gene: FH (fumarate hydratase; minus strand). Cytogenetic location: 1q43.
Variant type: Deletion.
Coding change: c.1497del on transcript NM_000143.4 (MANE Select); coding-DNA position 1497, one base deleted (A; older notation c.1497delA).
Protein change: p.Glu499fs; shifts the reading frame from glutamic acid 499.
Molecular consequence: frameshift variant.
Genome position (GRCh38, 1-based): chr1:241,497,864, T deleted on the plus strand (A on the coding strand, the reverse complement: FH is on the minus strand); the first of 2 consecutive T bases (chr1:241,497,864-241,497,865); deleting either gives the same sequence. VCF-style (leftmost placement, unchanged base first): chr1-241497863-AT-A. GRCh37 (hg19) VCF-style: chr1-241661163-AT-A.
Other names: short protein forms E499fs.
Identifiers: ClinVar variation 1010275 (VCV001010275.47), dbSNP rs1659662318, ClinGen allele CA1229576151.